The following is an entry in ClinVar:

ClinVar aggregate classification (germline): Likely pathogenic. Review status: reviewed by expert panel (3 of 4 stars). 3 submissions from 3 submitters: Likely pathogenic (1). 2 of the submissions do not count toward it. Last evaluated 2024-07-29.

Conditions:
T-cell lymphopenia, infantile, with or without nail dystrophy, autosomal dominant. Identifiers: Orphanet 676039, MedGen C5394133, MONDO:0032928, OMIM 618806.
T-cell immunodeficiency, congenital alopecia, and nail dystrophy. Also called: Congenital alopecia and nail dystrophy associated with severe functional T-cell immunodeficiency; Pignata Guarino syndrome. Identifiers: Orphanet 169095, MedGen C1866426, MONDO:0011132, OMIM 601705.

Submissions (3):

ClinGen Severe Combined Immunodeficiency Variant Curation Expert Panel, ClinGen
Classification: Likely pathogenic for T-cell immunodeficiency, congenital alopecia, and nail dystrophy. Last evaluated: 2024-07-29. Review status: reviewed by expert panel. Criteria: ClinGen SCID ACMG Specifications FOXN1 V1.0.0. Collection method: curation. Allele origin: germline. Inheritance: Semidominant inheritance.
Comment: The NM_001369369.1(FOXN1):c.1392_1401del (p.Pro465ArgfsTer?) variant in exon 8 results in a premature stop codon in the final exon (exon 9) at codon 546. It is not predicted to cause NMD but would truncate 16% of the protein, including most of the transactivation domain which is critical to protein function (PVS1_Strong). A luciferase reporter construct was cotransfected into heterologous cells together with an expression vector containing FOXN1. This variant had 1.4% luciferase activity compared to WT (PMID: 37419334). The family of P15 has 5 affected heterozygous family members; 5/5 nail dystrophy, 4/5 alopecia, 4/5 SCID-like phenotype (PMID: 33464451; PP1_Moderate). The variant is absent from gnomADv4.0 (PM2_supporting). In summary, this variant meets criteria to be classified as likely pathogenic for semidominant T-cell immunodeficiency, congenital alopecia, and nail dystrophy due to FOXN1 deficiency based on the ACMG/AMP criteria applied: PVS1_strong, PM2_supporting, PP4, PP1_Moderate as specified by the ClinGen SCID VCEP FOXN1 subgroup.

Labcorp Genetics (formerly Invitae), Labcorp
Classification: Pathogenic for T-cell immunodeficiency, congenital alopecia, and nail dystrophy. Last evaluated: 2022-06-20. Review status: criteria provided, single submitter. Criteria: Invitae Variant Classification Sherloc (09022015). Collection method: clinical testing. Allele origin: germline. Not counted in ClinVar's aggregate classification.
Comment: For these reasons, this variant has been classified as Pathogenic. This variant disrupts a region of the FOXN1 protein in which other variant(s) (p.Gln489Argfs*61) have been determined to be pathogenic (PMID: 31566583). This suggests that this is a clinically significant region of the protein, and that variants that disrupt it are likely to be disease-causing. ClinVar contains an entry for this variant (Variation ID: 665887). This premature translational stop signal has been observed in individual(s) with clinical features of FOXN1 haploinsufficiency (PMID: 31447097, 33464451). It has also been observed to segregate with disease in related individuals. This variant is not present in population databases (gnomAD no frequency). This sequence change creates a premature translational stop signal (p.Pro465Argfs*82) in the FOXN1 gene. While this is not anticipated to result in nonsense mediated decay, it is expected to disrupt the last 184 amino acid(s) of the FOXN1 protein.

OMIM
Classification: Pathogenic for T-CELL LYMPHOPENIA, INFANTILE, WITH NAIL DYSTROPHY, AUTOSOMAL DOMINANT. Last evaluated: 2020-11-11. Review status: no assertion criteria provided. Collection method: literature only. Allele origin: germline. Not counted in ClinVar's aggregate classification.

Literature cited by the submitters: PubMed 31566583 (cited by Labcorp Genetics (formerly Invitae), Labcorp); PubMed 31447097 (cited by Labcorp Genetics (formerly Invitae), Labcorp and OMIM); PubMed 33464451 (cited by Labcorp Genetics (formerly Invitae), Labcorp).

NM_001369369.1(FOXN1):c.1392_1401del (p.Pro465fs)

Gene: FOXN1 (forkhead box N1; plus strand). Cytogenetic location: 17q11.2.
Variant type: Deletion.
Coding change: c.1392_1401del on transcript NM_001369369.1 (MANE Select); coding-DNA positions 1392 to 1401, 10 bases deleted (TCCTGGACCC; older notation c.1392_1401delTCCTGGACCC).
Protein change: p.Pro465fs; shifts the reading frame from proline 465.
Molecular consequence: frameshift variant.
Genome position (GRCh38, 1-based): chr17:28,534,963-28,534,972, TCCTGGACCC deleted; deleting any 10 consecutive bases within chr17:28,534,960-28,534,972 gives the same sequence; the c. name uses the placement nearest the transcript's 3' end. VCF-style (leftmost placement, unchanged base first): chr17-28534959-CCCCTCCTGGA-C. GRCh37 (hg19) VCF-style: chr17-26861977-CCCCTCCTGGA-C.
Other names: NM_001369369.1(FOXN1):c.1392_1401del; p.Pro465fs; c.1392_1401del, p.Pro465fs (NM_003593.3); c.1392_1401delTCCTGGACCC (NM_003593.2); short protein forms P465fs.
Identifiers: ClinVar variation 665887 (VCV000665887.10), dbSNP rs1597567985, ClinGen allele CA915949641.